The following is an entry in ClinVar:

ClinVar aggregate classification (germline): Benign/Likely benign. Review status: criteria provided, multiple submitters, no conflicts (2 of 4 stars). 3 submissions from 3 submitters: Benign (2); Likely benign (1). Last evaluated 2025-04-09.

Conditions:
SLC4A3-related disorder. Also called: SLC4A3-related condition.

gnomAD v4.1: 3,007 of 1,613,522 alleles (0.19%); highest among the groups gnomAD compares: Non-Finnish European, 0.22%; 6 homozygotes.

Submissions (3):

Molecular Diagnostic Laboratory for Inherited Cardiovascular Disease, Montreal Heart Institute
Classification: Likely benign. Last evaluated: 2025-04-09. Review status: criteria provided, single submitter. Criteria: ACMG Guidelines, 2015. Collection method: clinical testing. Allele origin: germline. Affected: no.
Comment: BS1;BP4

PreventionGenetics, part of Exact Sciences
Classification: Benign for SLC4A3-related condition. Last evaluated: 2025-04-02. Review status: criteria provided, single submitter. Criteria: ACMG Guidelines, 2015. Collection method: clinical testing. Allele origin: germline.
Comment: This variant is classified as benign based on ACMG/AMP sequence variant interpretation guidelines (Richards et al. 2015 PMID: 25741868, with internal and published modifications).

CeGaT Center for Human Genetics Tuebingen
Classification: Benign. Last evaluated: 2024-07-01. Review status: criteria provided, single submitter. Criteria: CeGaT Center For Human Genetics Tuebingen Variant Classification Criteria Version 2. Collection method: clinical testing. Allele origin: germline. Affected: yes. Observed: 1 variant allele.
Comment: SLC4A3: BP4, BS1, BS2

NM_005070.4(SLC4A3):c.311G>A (p.Arg104Gln)

Gene: SLC4A3 (solute carrier family 4 member 3; plus strand). Cytogenetic location: 2q35.
Variant type: single nucleotide variant.
Coding change: c.311G>A on transcript NM_005070.4 (MANE Select); coding-DNA position 311, G replaced by A.
Protein change: p.Arg104Gln; replaces arginine 104 with glutamine.
Molecular consequence: missense variant. On other transcripts: non-coding transcript variant (1).
Genome position (GRCh38, 1-based): chr2:219,629,237, G>A. VCF-style: chr2-219629237-G-A. GRCh37 (hg19) VCF-style: chr2-220493959-G-A.
Other names: c.311G>A (NM_201574.2, NM_005070.3); c.311G>A, p.Arg104Gln (NM_001326559.2, NM_201574.3); short protein forms R104Q.
Identifiers: ClinVar variation 3341518 (VCV003341518.18), dbSNP rs139947594.